The following is an entry in ClinVar:

ClinVar aggregate classification (germline): Uncertain significance (1 of 4 stars; one submission).

Conditions:
Familial thoracic aortic aneurysm and aortic dissection (TAAD). Also called: Thoracic aortic aneurysms and dissections. Identifiers: Orphanet 91387, MedGen C4707243, MONDO:0019625.

Submission:

Ambry Genetics
Classification: Uncertain significance for Familial thoracic aortic aneurysm and aortic dissection. Last evaluated: 2026-05-17. Review status: criteria provided, single submitter. Criteria: Ambry Variant Classification Scheme 2023. Collection method: clinical testing. Allele origin: germline.
Comment: The p.Y287C variant (also known as c.860A>G), located in coding exon 4 of the FLNA gene, results from an A to G substitution at nucleotide position 860. The tyrosine at codon 287 is replaced by cysteine, an amino acid with highly dissimilar properties. This amino acid position is conserved. In addition, this alteration is predicted to be deleterious by in silico analysis. Based on the available evidence, the clinical significance of this variant remains unclear.

NM_001110556.2(FLNA):c.860A>G (p.Tyr287Cys)

Gene: FLNA (filamin A; minus strand). Cytogenetic location: Xq28.
Variant type: single nucleotide variant.
Coding change: c.860A>G on transcript NM_001110556.2 (MANE Select); coding-DNA position 860, A replaced by G.
Protein change: p.Tyr287Cys; replaces tyrosine 287 with cysteine.
Molecular consequence: missense variant.
Genome position (GRCh38, 1-based): chrX:154,367,405, T>C on the plus strand (A>G on the coding strand, the complement: FLNA is on the minus strand). VCF-style: chrX-154367405-T-C. GRCh37 (hg19) VCF-style: chrX-153595773-T-C.
Other names: c.860A>G, p.Tyr287Cys (NM_001456.4); short protein forms Y287C.
Identifiers: ClinVar variation 4871441 (VCV004871441.1).